The following is an entry in ClinVar:

ClinVar aggregate classification (germline): Conflicting classifications of pathogenicity. Review status: criteria provided, conflicting classifications (1 of 4 stars). 5 submissions from 5 submitters: Uncertain significance (3); Likely benign (2). Last evaluated 2026-01-17.

Conditions:
Hereditary cancer-predisposing syndrome. Also called: Neoplastic Syndromes, Hereditary; Tumor predisposition; Hereditary Cancer Syndrome; Hereditary neoplastic syndrome. Identifiers: Orphanet 140162, MedGen C0027672, MeSH D009386, MONDO:0015356.
Nijmegen breakage syndrome-like disorder (NBSLD). Also called: MICROCEPHALY AND SPONTANEOUS CHROMOSOME INSTABILITY WITHOUT IMMUNODEFICIENCY; NBS-LIKE DISORDER; RAD50 DEFICIENCY. Identifiers: Orphanet 240760, MedGen C2751318, MONDO:0013118, OMIM 613078.

Allele frequency attached by ClinVar (database versions not stated): gnomAD 0.00004; gnomAD exomes 0.00005 and 0.00008; ExAC 0.00007; TOPMed 0.00001.
gnomAD v4.1: 82 of 1,607,274 alleles (0.0051%); highest among the groups gnomAD compares: East Asian, 0.0045%; no homozygotes.

Submissions (5):

Labcorp Genetics (formerly Invitae), Labcorp
Classification: Uncertain significance for Hereditary cancer-predisposing syndrome. Last evaluated: 2026-01-17. Review status: criteria provided, single submitter. Criteria: Invitae Variant Classification Sherloc (09022015). Collection method: clinical testing. Allele origin: germline.
Comment: This sequence change replaces arginine, which is basic and polar, with histidine, which is basic and polar, at codon 486 of the RAD50 protein (p.Arg486His). This variant is present in population databases (rs776949511, gnomAD 0.06%). This variant has not been reported in the literature in individuals affected with RAD50-related conditions. ClinVar contains an entry for this variant (Variation ID: 216619). Invitae Evidence Modeling of protein sequence and biophysical properties (such as structural, functional, and spatial information, amino acid conservation, physicochemical variation, residue mobility, and thermodynamic stability) indicates that this missense variant is not expected to disrupt RAD50 protein function with a negative predictive value of 80%. In summary, the available evidence is currently insufficient to determine the role of this variant in disease. Therefore, it has been classified as a Variant of Uncertain Significance.

Quest Diagnostics Nichols Institute San Juan Capistrano
Classification: Uncertain significance. Last evaluated: 2025-02-14. Review status: criteria provided, single submitter. Criteria: Quest Diagnostics criteria. Collection method: clinical testing. Allele origin: unknown.
Comment: The RAD50 c.1457G>A (p.Arg486His) variant has been observed in a case-control study in breast cancer cases and reportedly healthy individuals (PMID: 33471991 (2021), see also LOVD). The frequency of this variant in the general population (Genome Aggregation Database) is uninformative in the assessment of its pathogenicity. Analysis of this variant using bioinformatics tools for the prediction of the effect of amino acid changes on protein structure and function yielded predictions that this variant is benign. Additional analysis using software algorithms for the prediction of the effect of nucleotide changes on RAD50 mRNA splicing yielded predictions that this variant may result in the gain of a cryptic splice site without affecting the natural splice sites. Based on the available information, we are unable to determine the clinical significance of this variant.

Ambry Genetics
Classification: Likely benign for Hereditary cancer-predisposing syndrome. Last evaluated: 2024-04-20. Review status: criteria provided, single submitter. Criteria: Ambry Variant Classification Scheme 2023. Collection method: clinical testing. Allele origin: germline.

Blueprint Genetics
Classification: Likely benign. Last evaluated: 2024-03-11. Review status: criteria provided, single submitter. Criteria: ACMG Guidelines, 2015. Collection method: clinical testing. Allele origin: germline.

Fulgent Genetics
Classification: Uncertain significance for Nijmegen breakage syndrome-like disorder. Last evaluated: 2018-10-31. Review status: criteria provided, single submitter. Criteria: ACMG Guidelines, 2015. Collection method: clinical testing. Allele origin: unknown.

Literature cited by the submitters: PubMed 33471991 (cited by Quest Diagnostics Nichols Institute San Juan Capistrano).

NM_005732.4(RAD50):c.1457G>A (p.Arg486His)

Gene: RAD50 (RAD50 double strand break repair protein; plus strand). Cytogenetic location: 5q31.1.
Variant type: single nucleotide variant.
Coding change: c.1457G>A on transcript NM_005732.4 (MANE Select); coding-DNA position 1457, G replaced by A.
Protein change: p.Arg486His; replaces arginine 486 with histidine.
Molecular consequence: missense variant.
Genome position (GRCh38, 1-based): chr5:132,591,228, G>A. VCF-style: chr5-132591228-G-A. GRCh37 (hg19) VCF-style: chr5-131926920-G-A.
Other names: short protein forms R486H.
Identifiers: ClinVar variation 216619 (VCV000216619.16), dbSNP rs776949511, ClinGen allele CA335716.